The following is an entry in ClinVar:

NM_006031.6(PCNT):c.1729C>T (p.His577Tyr)

Gene: PCNT (pericentrin; plus strand). Cytogenetic location: 21q22.3.
Variant type: single nucleotide variant.
Coding change: c.1729C>T on transcript NM_006031.6 (MANE Select); coding-DNA position 1729, C replaced by T.
Protein change: p.His577Tyr; replaces histidine 577 with tyrosine.
Molecular consequence: missense variant.
Genome position (GRCh38, 1-based): chr21:46,354,036, C>T. VCF-style: chr21-46354036-C-T. GRCh37 (hg19) VCF-style: chr21-47773950-C-T.
Other names: c.1375C>T, p.His459Tyr (NM_001315529.2); c.1729C>T (NM_006031.5); short protein forms H459Y, H577Y.
Identifiers: ClinVar variation 2168061 (VCV002168061.3), dbSNP rs750783270, ClinGen allele CA10078718.

ClinVar aggregate classification (germline): Uncertain significance. Review status: criteria provided, single submitter (1 of 4 stars). 2 submissions from 2 submitters: Uncertain significance (1). 1 of the submissions does not count toward it. Last evaluated 2022-09-27.

Conditions:
PCNT-related disorder. Also called: PCNT-related condition.

Allele frequency attached by ClinVar (database versions not stated): gnomAD exomes 0.00002; ExAC 0.00003.
gnomAD v4.1: 12 of 1,614,100 alleles (0.00074%); highest among the groups gnomAD compares: Admixed American, 0.02%; no homozygotes.

Submissions (2):

Labcorp Genetics (formerly Invitae), Labcorp
Classification: Uncertain significance. Last evaluated: 2022-09-27. Review status: criteria provided, single submitter. Criteria: Invitae Variant Classification Sherloc (09022015). Collection method: clinical testing. Allele origin: germline.
Comment: This sequence change replaces histidine, which is basic and polar, with tyrosine, which is neutral and polar, at codon 577 of the PCNT protein (p.His577Tyr). This variant is present in population databases (rs750783270, gnomAD 0.03%). This variant has not been reported in the literature in individuals affected with PCNT-related conditions. Algorithms developed to predict the effect of missense changes on protein structure and function (SIFT, PolyPhen-2, Align-GVGD) all suggest that this variant is likely to be tolerated. In summary, the available evidence is currently insufficient to determine the role of this variant in disease. Therefore, it has been classified as a Variant of Uncertain Significance.

PreventionGenetics, part of Exact Sciences
Classification: Uncertain significance for PCNT-related condition. Last evaluated: 2024-05-04. Review status: no assertion criteria provided. Collection method: clinical testing. Allele origin: germline. Not counted in ClinVar's aggregate classification.
Comment: The PCNT c.1729C>T variant is predicted to result in the amino acid substitution p.His577Tyr. To our knowledge, this variant has not been reported in the literature. This variant is reported in 0.026% of alleles in individuals of Latino descent in gnomAD. At this time, the clinical significance of this variant is uncertain due to the absence of conclusive functional and genetic evidence.